The following is an entry in ClinVar:

NM_004525.3(LRP2):c.3932G>A (p.Arg1311His)

Gene: LRP2 (LDL receptor related protein 2; minus strand). Cytogenetic location: 2q31.1.
Variant type: single nucleotide variant.
Coding change: c.3932G>A on transcript NM_004525.3 (MANE Select); coding-DNA position 3932, G replaced by A.
Protein change: p.Arg1311His; replaces arginine 1311 with histidine.
Molecular consequence: missense variant.
Genome position (GRCh38, 1-based): chr2:169,241,101, C>T on the plus strand (G>A on the coding strand, the complement: LRP2 is on the minus strand). VCF-style: chr2-169241101-C-T. GRCh37 (hg19) VCF-style: chr2-170097611-C-T.
Other names: short protein forms R1311H.
Identifiers: ClinVar variation 893877 (VCV000893877.19), dbSNP rs140748929, ClinGen allele CA1954913.
Genomic context (GRCh38, chr2:169,241,101, plus strand): 5'-ACTACACTCAGATTCACACAGATGTTATGGCCAAGACACTGCCATTGCCAACTAGGACAG[C>T]GAAAGGGCTGAGTAGGGCAGTCCTTCTCATCACTCATATCCCCGCAGTCATTGTCCCGAT-3'
Protein context (NP_004516.2, residues 1301-1321): DEKDCPTQPF[Arg1311His]CPSWQWQCLG

ClinVar aggregate classification (germline): Conflicting classifications of pathogenicity. Review status: criteria provided, conflicting classifications (1 of 4 stars). 6 submissions from 6 submitters: Uncertain significance (3); Likely benign (3). Last evaluated 2025-11-18.

Conditions:
LRP2-related disorder. Also called: LRP2-related condition.
Donnai-Barrow syndrome. Also called: DBS/FOAR SYNDROME; FACIOOCULOACOUSTICORENAL SYNDROME. Identifiers: Orphanet 2143, MedGen C1857277, MONDO:0009104, OMIM 222448.

Allele frequency attached by ClinVar (database versions not stated): TOPMed 0.00014; ESP Exome Variant Server 0.00015.
gnomAD v4.1: 84 of 1,613,922 alleles (0.0052%); highest among the groups gnomAD compares: Middle Eastern, 0.033%; no homozygotes.

Submissions (6):

Labcorp Genetics (formerly Invitae), Labcorp
Classification: Likely benign. Last evaluated: 2025-11-18. Review status: criteria provided, single submitter. Criteria: Invitae Variant Classification Sherloc (09022015). Collection method: clinical testing. Allele origin: germline.

GeneDx
Classification: Uncertain significance. Last evaluated: 2025-08-21. Review status: criteria provided, single submitter. Criteria: GeneDx Variant Classification Process June 2021. Collection method: clinical testing. Allele origin: germline. Affected: yes.
Comment: In silico analysis suggests that this missense variant does not alter protein structure/function; Has not been previously published as pathogenic or benign to our knowledge

PreventionGenetics, part of Exact Sciences
Classification: Uncertain significance for LRP2-related condition. Last evaluated: 2025-02-06. Review status: criteria provided, single submitter. Criteria: ACMG Guidelines, 2015. Collection method: clinical testing. Allele origin: germline.
Comment: The LRP2 c.3932G>A variant is predicted to result in the amino acid substitution p.Arg1311His. To our knowledge, this variant has not been reported in the literature. This variant is reported in 0.032% of alleles in individuals of African descent in gnomAD. At this time, the clinical significance of this variant is uncertain due to the absence of conclusive functional and genetic evidence.

Blueprint Genetics
Classification: Likely benign. Last evaluated: 2024-09-12. Review status: criteria provided, single submitter. Criteria: ACMG Guidelines, 2015. Collection method: clinical testing. Allele origin: germline.

Genome-Nilou Lab
Classification: Likely benign for Donnai-Barrow syndrome. Last evaluated: 2021-07-15. Review status: criteria provided, single submitter. Criteria: ACMG Guidelines, 2015. Collection method: clinical testing. Allele origin: germline. Affected: no.

Illumina Laboratory Services, Illumina
Classification: Uncertain significance for Donnai-Barrow syndrome. Last evaluated: 2018-01-13. Review status: criteria provided, single submitter. Criteria: ICSL Variant Classification Criteria 13 December 2019. Collection method: clinical testing. Allele origin: germline.